The following is an entry in ClinVar:

NM_018474.6(KIZ):c.89+6G>A

Genes: KIZ (kizuna centrosomal protein; plus strand), LOC130065507 (ATAC-STARR-seq lymphoblastoid silent region 12713; plus strand). Cytogenetic location: 20p11.23.
Variant type: single nucleotide variant.
Coding change: c.89+6G>A on transcript NM_018474.6 (MANE Select); 6 bases into the intron after coding-DNA position 89, G replaced by A.
Molecular consequence: intron variant.
Genome position (GRCh38, 1-based): chr20:21,126,210, G>A. VCF-style: chr20-21126210-G-A. GRCh37 (hg19) VCF-style: chr20-21106851-G-A.
Other names: c.168+6G>A (NM_001276389.2); c.-298+6G>A (NM_001352436.2); c.89+6G>A (NM_001352434.2); c.-58+6G>A (NM_001163022.3, NM_001352435.2, NM_001163023.3).
Identifiers: ClinVar variation 857649 (VCV000857649.6), dbSNP rs541555909, ClinGen allele CA9784585.
Genomic context (GRCh38, chr20:21,126,210, plus strand): 5'-CGAGTCCCGACTACTACGAGAGGCTGGGCCAACTCCAGCACGGGCTGCGGGACAGGTAAG[G>A]GCACTGGGGCGGGGGTGGGGAGTCGGCCCGCGCCGGGGGTCTTCCGCGTGCCCTGCCCCA-3'

ClinVar aggregate classification (germline): Conflicting classifications of pathogenicity. Review status: criteria provided, conflicting classifications (1 of 4 stars). 2 submissions from 2 submitters: Uncertain significance (1); Likely benign (1). Last evaluated 2022-09-13.

Allele frequency attached by ClinVar (database versions not stated): gnomAD below 0.00001 and 0.00003; TOPMed 0.00002; gnomAD exomes 0.00007; 1000 Genomes Project 0.00020; 1000 Genomes Project 30x 0.00031; ExAC 0.00035.

Submissions (2):

Labcorp Genetics (formerly Invitae), Labcorp
Classification: Uncertain significance. Last evaluated: 2022-09-13. Review status: criteria provided, single submitter. Criteria: Invitae Variant Classification Sherloc (09022015). Collection method: clinical testing. Allele origin: germline.
Comment: This sequence change falls in intron 1 of the KIZ gene. It does not directly change the encoded amino acid sequence of the KIZ protein. It affects a nucleotide within the consensus splice site. This variant is present in population databases (rs541555909, gnomAD 0.04%). This variant has not been reported in the literature in individuals affected with KIZ-related conditions. ClinVar contains an entry for this variant (Variation ID: 857649). Variants that disrupt the consensus splice site are a relatively common cause of aberrant splicing (PMID: 17576681, 9536098). Algorithms developed to predict the effect of sequence changes on RNA splicing suggest that this variant is not likely to affect RNA splicing. In summary, the available evidence is currently insufficient to determine the role of this variant in disease. Therefore, it has been classified as a Variant of Uncertain Significance.

Blueprint Genetics
Classification: Likely benign. Last evaluated: 2022-08-26. Review status: criteria provided, single submitter. Criteria: ACMG Guidelines, 2015. Collection method: clinical testing. Allele origin: germline.

Literature cited by the submitters: PubMed 17576681 (cited by Labcorp Genetics (formerly Invitae), Labcorp); PubMed 9536098 (cited by Labcorp Genetics (formerly Invitae), Labcorp).